The following is an entry in ClinVar:

NM_001130823.3(DNMT1):c.3341A>T (p.Asp1114Val)

Gene: DNMT1 (DNA methyltransferase 1; minus strand). Cytogenetic location: 19p13.2.
Variant type: single nucleotide variant.
Coding change: c.3341A>T on transcript NM_001130823.3 (MANE Select); coding-DNA position 3341, A replaced by T.
Protein change: p.Asp1114Val; replaces aspartic acid 1114 with valine.
Molecular consequence: missense variant.
Genome position (GRCh38, 1-based): chr19:10,141,158, T>A on the plus strand (A>T on the coding strand, the complement: DNMT1 is on the minus strand). VCF-style: chr19-10141158-T-A. GRCh37 (hg19) VCF-style: chr19-10251834-T-A.
Other names: c.3293A>T, p.Asp1098Val (NM_001318730.2, NM_001379.4); c.2978A>T, p.Asp993Val (NM_001318731.2); short protein forms D1114V, D993V, D1098V.
Identifiers: ClinVar variation 2731041 (VCV002731041.3), dbSNP rs2513783153, ClinGen allele CA403974329.

ClinVar aggregate classification (germline): Uncertain significance (1 of 4 stars; one submission).

Conditions:
Hereditary sensory neuropathy-deafness-dementia syndrome. Also called: HSN IE; Hereditary sensory neuropathy type IE; NEUROPATHY, HEREDITARY SENSORY, WITH HEARING LOSS AND DEMENTIA; Hereditary Sensory and Autonomic Neuropathy Type 1E (HSAN1E). Identifiers: Orphanet 456318, MedGen C3279885, MONDO:0013584, OMIM 614116.

gnomAD v4.1: 1 of 1,614,020 alleles (0.000062%); highest among the groups gnomAD compares: East Asian, 0.0022%; no homozygotes.

Submission:

Labcorp Genetics (formerly Invitae), Labcorp
Classification: Uncertain significance for Hereditary sensory neuropathy-deafness-dementia syndrome. Last evaluated: 2023-06-27. Review status: criteria provided, single submitter. Criteria: Invitae Variant Classification Sherloc (09022015). Collection method: clinical testing. Allele origin: germline.
Comment: This variant is not present in population databases (gnomAD no frequency). This sequence change replaces aspartic acid, which is acidic and polar, with valine, which is neutral and non-polar, at codon 1114 of the DNMT1 protein (p.Asp1114Val). This variant has not been reported in the literature in individuals affected with DNMT1-related conditions. Advanced modeling of protein sequence and biophysical properties (such as structural, functional, and spatial information, amino acid conservation, physicochemical variation, residue mobility, and thermodynamic stability) performed at Invitae indicates that this missense variant is not expected to disrupt DNMT1 protein function. In summary, the available evidence is currently insufficient to determine the role of this variant in disease. Therefore, it has been classified as a Variant of Uncertain Significance.